The following is an entry in ClinVar:

NM_001374259.2(IL12RB2):c.1957C>T (p.Leu653Phe)

Gene: IL12RB2 (interleukin 12 receptor subunit beta 2; plus strand). Cytogenetic location: 1p31.3.
Variant type: single nucleotide variant.
Coding change: c.1957C>T on transcript NM_001374259.2 (MANE Select); coding-DNA position 1957, C replaced by T.
Protein change: p.Leu653Phe; replaces leucine 653 with phenylalanine.
Molecular consequence: missense variant. On other transcripts: non-coding transcript variant (2), intron variant (3).
Genome position (GRCh38, 1-based): chr1:67,390,039, C>T. VCF-style: chr1-67390039-C-T. GRCh37 (hg19) VCF-style: chr1-67855722-C-T.
Other names: c.1699C>T, p.Leu567Phe (NM_001258215.1); c.1957C>T, p.Leu653Phe (NM_001559.3); c.1946+3370C>T (NM_001258214.1, NM_001319233.1); c.1856-5508C>T (NM_001258216.1); short protein forms L653F, L567F.
Identifiers: ClinVar variation 3685689 (VCV003685689.2).

ClinVar aggregate classification (germline): Uncertain significance (1 of 4 stars; one submission).

gnomAD v4.1: 4 of 1,248,346 alleles (0.00032%); highest among the groups gnomAD compares: Non-Finnish European, 0.00047%; no homozygotes.

Submission:

Labcorp Genetics (formerly Invitae), Labcorp
Classification: Uncertain significance. Last evaluated: 2024-09-02. Review status: criteria provided, single submitter. Criteria: Invitae Variant Classification Sherloc (09022015). Collection method: clinical testing. Allele origin: germline.
Comment: This sequence change replaces leucine, which is neutral and non-polar, with phenylalanine, which is neutral and non-polar, at codon 653 of the IL12RB2 protein (p.Leu653Phe). This variant is present in population databases (rs775260148, gnomAD 0.0009%). This variant has not been reported in the literature in individuals affected with IL12RB2-related conditions. An algorithm developed to predict the effect of missense changes on protein structure and function outputs the following: PolyPhen-2: "Benign". The phenylalanine amino acid residue is found in multiple mammalian species, which suggests that this missense change does not adversely affect protein function. In summary, the available evidence is currently insufficient to determine the role of this variant in disease. Therefore, it has been classified as a Variant of Uncertain Significance.